The following is an entry in ClinVar:

ClinVar aggregate classification (germline): Pathogenic/Likely pathogenic. Review status: criteria provided, multiple submitters, no conflicts (2 of 4 stars). 2 submissions from 2 submitters: Pathogenic (1); Likely pathogenic (1). Last evaluated 2023-12-03.

Conditions:
Joubert syndrome. Also called: CEREBELLOPARENCHYMAL DISORDER IV; JOUBERT-BOLTSHAUSER SYNDROME; Familial aplasia of the vermis. Identifiers: Orphanet 475, MedGen C5979921, MONDO:0018772.
Joubert syndrome 3 (JBTS3). Also called: AHI1-related Ciliopathy. Identifiers: Orphanet 220493, MedGen C1837713, MONDO:0012078, OMIM 608629.

Allele frequency attached by ClinVar (database versions not stated): TOPMed below 0.00001; gnomAD 0.00001.
gnomAD v4.1: 3 of 1,607,258 alleles (0.00019%); highest among the groups gnomAD compares: South Asian, 0.0022%; no homozygotes.

Submissions (2):

3billion
Classification: Pathogenic for Joubert syndrome 3. Last evaluated: 2023-12-03. Review status: criteria provided, single submitter. Criteria: ACMG Guidelines, 2015. Collection method: clinical testing. Allele origin: germline. Affected: yes.
Comment: The variant is not observed in the gnomAD v2.1.1 dataset. Predicted Consequence/Location: Canonical splice site: predicted to alter splicing and result in a loss or disruption of normal protein function. Multiple pathogenic loss-of-function variants are reported downstream of the variant. In silico tools predict the variant to alter splicing and produce an abnormal transcript [Splice AI: 0.75 (spliceogenicity >=0.2, non-spliceogenicity <0.1)]. Therefore, this variant is classified as Pathogenic according to the recommendation of ACMG/AMP guideline.

Labcorp Genetics (formerly Invitae), Labcorp
Classification: Likely pathogenic for Joubert syndrome. Last evaluated: 2023-11-05. Review status: criteria provided, single submitter. Criteria: Invitae Variant Classification Sherloc (09022015). Collection method: clinical testing. Allele origin: germline.
Comment: This sequence change affects a donor splice site in intron 12 of the AHI1 gene. It is expected to disrupt RNA splicing. Variants that disrupt the donor or acceptor splice site typically lead to a loss of protein function (PMID: 16199547), and loss-of-function variants in AHI1 are known to be pathogenic (PMID: 15322546, 16453322, 28442542, 29186038). This variant is not present in population databases (gnomAD no frequency). This variant has not been reported in the literature in individuals affected with AHI1-related conditions. Algorithms developed to predict the effect of sequence changes on RNA splicing suggest that this variant may disrupt the consensus splice site. In summary, the currently available evidence indicates that the variant is pathogenic, but additional data are needed to prove that conclusively. Therefore, this variant has been classified as Likely Pathogenic.

Literature cited by the submitters: PubMed 16199547 (cited by Labcorp Genetics (formerly Invitae), Labcorp); PubMed 15322546 (cited by Labcorp Genetics (formerly Invitae), Labcorp); PubMed 16453322 (cited by Labcorp Genetics (formerly Invitae), Labcorp); PubMed 28442542 (cited by Labcorp Genetics (formerly Invitae), Labcorp); PubMed 29186038 (cited by Labcorp Genetics (formerly Invitae), Labcorp).

NM_001134831.2(AHI1):c.1779+1G>T

Gene: AHI1 (Abelson helper integration site 1; minus strand). Cytogenetic location: 6q23.3.
Variant type: single nucleotide variant.
Coding change: c.1779+1G>T on transcript NM_001134831.2 (MANE Select); the canonical splice donor site of the intron after coding-DNA position 1779, G replaced by T.
Molecular consequence: splice donor variant.
Genome position (GRCh38, 1-based): chr6:135,447,007, C>A on the plus strand (G>T on the coding strand, the complement: AHI1 is on the minus strand). VCF-style: chr6-135447007-C-A. GRCh37 (hg19) VCF-style: chr6-135768145-C-A.
Other names: c.1779+1G>T (NM_001134830.2, NM_001350503.2, NM_017651.5 and 2 more transcripts).
Identifiers: ClinVar variation 2822087 (VCV002822087.4), dbSNP rs753655744, ClinGen allele CA365744704.